The following is an entry in ClinVar:

NM_001369.3(DNAH5):c.6841+1G>C

Gene: DNAH5 (dynein axonemal heavy chain 5; minus strand). Cytogenetic location: 5p15.2.
Variant type: single nucleotide variant.
Coding change: c.6841+1G>C on transcript NM_001369.3 (MANE Select); the canonical splice donor site of the intron after coding-DNA position 6841, G replaced by C.
Molecular consequence: splice donor variant.
Genome position (GRCh38, 1-based): chr5:13,820,345, C>G on the plus strand (G>C on the coding strand, the complement: DNAH5 is on the minus strand). VCF-style: chr5-13820345-C-G. GRCh37 (hg19) VCF-style: chr5-13820454-C-G.
Identifiers: ClinVar variation 1068110 (VCV001068110.7), dbSNP rs2151814082, ClinGen allele CA359194647.

ClinVar aggregate classification (germline): Likely pathogenic (1 of 4 stars; one submission).

Conditions:
Primary ciliary dyskinesia. Also called: Ciliary dyskinesia. Identifiers: Orphanet 244, MedGen C0008780, MONDO:0016575, HP:0012265.

Submission:

Labcorp Genetics (formerly Invitae), Labcorp
Classification: Likely pathogenic for Primary ciliary dyskinesia. Last evaluated: 2020-03-14. Review status: criteria provided, single submitter. Criteria: Invitae Variant Classification Sherloc (09022015). Collection method: clinical testing. Allele origin: germline.
Comment: This sequence change affects a donor splice site in intron 41 of the DNAH5 gene. It is expected to disrupt RNA splicing and likely results in an absent or disrupted protein product. This variant is not present in population databases (ExAC no frequency). This variant has not been reported in the literature in individuals with DNAH5-related conditions. Algorithms developed to predict the effect of sequence changes on RNA splicing suggest that this variant may disrupt the consensus splice site, but this prediction has not been confirmed by published transcriptional studies. Donor and acceptor splice site variants typically lead to a loss of protein function (PMID: 16199547), and loss-of-function variants in DNAH5 are known to be pathogenic (PMID: 11788826, 16627867). In summary, the currently available evidence indicates that the variant is pathogenic, but additional data are needed to prove that conclusively. Therefore, this variant has been classified as Likely Pathogenic.

Literature cited by the submitters: PubMed 16199547; PubMed 11788826; PubMed 16627867.